The following is an entry in ClinVar:

ClinVar aggregate classification (germline): Uncertain significance (1 of 4 stars; one submission).

Conditions:
Hereditary cancer-predisposing syndrome. Also called: Neoplastic Syndromes, Hereditary; Tumor predisposition; Hereditary Cancer Syndrome; Hereditary neoplastic syndrome. Identifiers: Orphanet 140162, MedGen C0027672, MeSH D009386, MONDO:0015356.

Submission:

Ambry Genetics
Classification: Uncertain significance for Hereditary cancer-predisposing syndrome. Last evaluated: 2026-07-30. Review status: criteria provided, single submitter. Criteria: Ambry Variant Classification Scheme 2023. Collection method: clinical testing. Allele origin: germline.
Comment: The p.I1085F variant (also known as c.3253A>T), located in coding exon 19 of the PTCH1 gene, results from an A to T substitution at nucleotide position 3253. The isoleucine at codon 1085 is replaced by phenylalanine, an amino acid with highly similar properties. This amino acid position is highly conserved in available vertebrate species. In addition, this alteration is predicted to be deleterious by in silico analysis. Based on the available evidence, the clinical significance of this variant remains unclear.

NM_000264.5(PTCH1):c.3253A>T (p.Ile1085Phe)

Gene: PTCH1 (patched 1; minus strand). Cytogenetic location: 9q22.32.
Variant type: single nucleotide variant.
Coding change: c.3253A>T on transcript NM_000264.5 (MANE Select); coding-DNA position 3253, A replaced by T.
Protein change: p.Ile1085Phe; replaces isoleucine 1085 with phenylalanine.
Molecular consequence: missense variant. On other transcripts: non-coding transcript variant (1).
Genome position (GRCh38, 1-based): chr9:95,456,329, T>A on the plus strand (A>T on the coding strand, the complement: PTCH1 is on the minus strand). VCF-style: chr9-95456329-T-A. GRCh37 (hg19) VCF-style: chr9-98218611-T-A.
Other names: c.3055A>T, p.Ile1019Phe (NM_001083602.3); c.3250A>T, p.Ile1084Phe (NM_001083603.3); c.2800A>T, p.Ile934Phe (NM_001083604.3, NM_001083605.3, NM_001083606.3 and 1 more transcripts); c.3097A>T, p.Ile1033Phe (NM_001354918.2); short protein forms I1019F, I1033F, I1084F, I1085F, I934F.
Identifiers: ClinVar variation 3231006 (VCV003231006.2), dbSNP rs2136648504, ClinGen allele CA374112060.